The following is an entry in ClinVar:

NM_020442.6(VARS2):c.571C>T (p.Gln191Ter)

Gene: VARS2 (valyl-tRNA synthetase 2, mitochondrial; plus strand). Cytogenetic location: 6p21.33.
Variant type: single nucleotide variant.
Coding change: c.571C>T on transcript NM_020442.6 (MANE Select); coding-DNA position 571, C replaced by T.
Protein change: p.Gln191Ter; replaces glutamine 191 with a stop codon.
Molecular consequence: nonsense.
Genome position (GRCh38, 1-based): chr6:30,916,045, C>T. VCF-style: chr6-30916045-C-T. GRCh37 (hg19) VCF-style: chr6-30883822-C-T.
Other names: c.151C>T, p.Gln51Ter (NM_001167733.3); c.661C>T, p.Gln221Ter (NM_001167734.2); short protein forms Q191*, Q51*, Q221*.
Identifiers: ClinVar variation 2784529 (VCV002784529.3), dbSNP rs2538628568, ClinGen allele CA363167753.
Genomic context (GRCh38, chr6:30,916,045, plus strand): 5'-CGGATGCGTGGGGATCAAGTGCTGTGGGTCCCTGGTTCAGATCATGCAGGAATTGCTACA[C>T]AAGTATGTCTTTTGTTACCTGTTCCTTTTCTTGGGCAAAAGCAATTTCTTCCCCCAAAGC-3'

ClinVar aggregate classification (germline): Pathogenic (1 of 4 stars; one submission).

Submission:

Labcorp Genetics (formerly Invitae), Labcorp
Classification: Pathogenic. Last evaluated: 2023-01-13. Review status: criteria provided, single submitter. Criteria: Invitae Variant Classification Sherloc (09022015). Collection method: clinical testing. Allele origin: germline.
Comment: For these reasons, this variant has been classified as Pathogenic. This variant has not been reported in the literature in individuals affected with VARS2-related conditions. This variant is not present in population databases (gnomAD no frequency). This sequence change creates a premature translational stop signal (p.Gln221*) in the VARS2 gene. It is expected to result in an absent or disrupted protein product. Loss-of-function variants in VARS2 are known to be pathogenic (PMID: 29313548).

Literature cited by the submitters: PubMed 29313548.